The following is an entry in ClinVar:

NM_001267550.2(TTN):c.64093+1G>A

Genes: TTN (titin; minus strand), TTN-AS1 (TTN antisense RNA 1; plus strand). Cytogenetic location: 2q31.2.
Variant type: single nucleotide variant.
Coding change: c.64093+1G>A on transcript NM_001267550.2 (MANE Select); the canonical splice donor site of the intron after coding-DNA position 64093, G replaced by A.
Molecular consequence: splice donor variant.
Genome position (GRCh38, 1-based): chr2:178,587,117, C>T on the plus strand (G>A on the coding strand, the complement: TTN is on the minus strand). VCF-style: chr2-178587117-C-T. GRCh37 (hg19) VCF-style: chr2-179451844-C-T.
Other names: c.36898+1G>A (NM_003319.4); c.37474+1G>A (NM_133437.4); c.37273+1G>A (NM_133432.3); c.56389+1G>A (NM_133378.4); c.59170+1G>A (NM_001256850.1).
Identifiers: ClinVar variation 2945452 (VCV002945452.3), dbSNP rs2469275342, ClinGen allele CA349445885.

ClinVar aggregate classification (germline): Likely pathogenic (1 of 4 stars; one submission).

Conditions:
Dilated cardiomyopathy 1G (CMD1G). Identifiers: Orphanet 154, MedGen C1858763, MONDO:0011400, OMIM 604145.
Autosomal recessive limb-girdle muscular dystrophy type 2J (LGMDR10). Also called: Limb-girdle muscular dystrophy, type 2J; MUSCULAR DYSTROPHY, LIMB-GIRDLE, AUTOSOMAL RECESSIVE 10. Identifiers: Orphanet 140922, MedGen C1837342, MONDO:0012127, OMIM 608807.

Submission:

Labcorp Genetics (formerly Invitae), Labcorp
Classification: Likely pathogenic for Dilated cardiomyopathy 1G; Autosomal recessive limb-girdle muscular dystrophy type 2J. Last evaluated: 2023-03-18. Review status: criteria provided, single submitter. Criteria: Invitae Variant Classification Sherloc (09022015). Collection method: clinical testing. Allele origin: germline.
Comment: This sequence change affects a donor splice site in intron 307 of the TTN gene. It is expected to disrupt RNA splicing and likely results in a truncated or disrupted TTN protein. This variant is not present in population databases (gnomAD no frequency). This variant has not been reported in the literature in individuals affected with TTN-related conditions. Algorithms developed to predict the effect of sequence changes on RNA splicing suggest that this variant may disrupt the consensus splice site. In summary, the currently available evidence indicates that the variant is pathogenic, but additional data are needed to prove that conclusively. Therefore, this variant has been classified as Likely Pathogenic. This variant is located in the A band of TTN (PMID: 25589632). Truncating variants in this region are significantly overrepresented in patients affected with dilated cardiomyopathy (PMID: 25589632). Truncating variants in this region have also been reported in individuals affected with autosomal recessive centronuclear myopathy (PMID: 23975875).

Literature cited by the submitters: PubMed 25589632; PubMed 23975875.